The following is an entry in ClinVar:

ClinVar aggregate classification (germline): Uncertain significance (1 of 4 stars; one submission).

Conditions:
Congenital dyserythropoietic anemia, type II (CDAN2). Also called: DYSERYTHROPOIETIC ANEMIA, HEMPAS TYPE. Identifiers: Orphanet 98873, MedGen C1306589, MONDO:0009134, OMIM 224100.
Cowden syndrome 7 (CWS7). Identifiers: Orphanet 201, MedGen C4225179, MONDO:0014802, OMIM 616858.

gnomAD v4.1: 1 of 1,614,176 alleles (0.000062%); highest among the groups gnomAD compares: Non-Finnish European, 0.000085%; no homozygotes.

Submission:

Labcorp Genetics (formerly Invitae), Labcorp
Classification: Uncertain significance for Congenital dyserythropoietic anemia, type II; Cowden syndrome 7. Last evaluated: 2022-07-23. Review status: criteria provided, single submitter. Criteria: Invitae Variant Classification Sherloc (09022015). Collection method: clinical testing. Allele origin: germline.
Comment: In summary, the available evidence is currently insufficient to determine the role of this variant in disease. Therefore, it has been classified as a Variant of Uncertain Significance. Algorithms developed to predict the effect of missense changes on protein structure and function (SIFT, PolyPhen-2, Align-GVGD) all suggest that this variant is likely to be disruptive. This variant has not been reported in the literature in individuals affected with SEC23B-related conditions. This variant is not present in population databases (gnomAD no frequency). This sequence change replaces arginine, which is basic and polar, with leucine, which is neutral and non-polar, at codon 546 of the SEC23B protein (p.Arg546Leu).

NM_006363.6(SEC23B):c.1637G>T (p.Arg546Leu)

Gene: SEC23B (SEC23 homolog B, COPII component; plus strand). Cytogenetic location: 20p11.23.
Variant type: single nucleotide variant.
Coding change: c.1637G>T on transcript NM_006363.6 (MANE Select); coding-DNA position 1637, G replaced by T.
Protein change: p.Arg546Leu; replaces arginine 546 with leucine.
Molecular consequence: missense variant.
Genome position (GRCh38, 1-based): chr20:18,543,144, G>T. VCF-style: chr20-18543144-G-T. GRCh37 (hg19) VCF-style: chr20-18523788-G-T.
Other names: c.1637G>T, p.Arg546Leu (NM_001172745.3, NM_032985.6, NM_032986.5); c.1583G>T, p.Arg528Leu (NM_001172746.3); short protein forms R528L, R546L.
Identifiers: ClinVar variation 1713474 (VCV001713474.6), dbSNP rs781173761, ClinGen allele CA408364196.